The following is an entry in ClinVar:

NM_139318.5(KCNH5):c.1769T>G (p.Val590Gly)

Gene: KCNH5 (potassium voltage-gated channel subfamily H member 5; minus strand). Cytogenetic location: 14q23.2.
Variant type: single nucleotide variant.
Coding change: c.1769T>G on transcript NM_139318.5 (MANE Select); coding-DNA position 1769, T replaced by G.
Protein change: p.Val590Gly; replaces valine 590 with glycine.
Molecular consequence: missense variant.
Genome position (GRCh38, 1-based): chr14:62,802,382, A>C on the plus strand (T>G on the coding strand, the complement: KCNH5 is on the minus strand). VCF-style: chr14-62802382-A-C. GRCh37 (hg19) VCF-style: chr14-63269100-A-C.
Other names: c.1769T>G, p.Val590Gly (NM_172375.3); short protein forms V590G.
Identifiers: ClinVar variation 2580611 (VCV002580611.1), dbSNP rs2502790220, ClinGen allele CA390101661.
Genomic context (GRCh38, chr14:62,802,382, plus strand): 5'-ACAGTACCTAAAATAGCCACCACCTCATCATCCTGGATGACTTCCAAGGATCCTGACACC[A>C]CAAAGCAGAGGGCATCCACACTTTCTCCAGCATGGTAAATGAGGTCCCCGGGAGCACAGT-3'
Protein context (NP_647479.2, residues 580-600): AGESVDALCF[Val590Gly]VSGSLEVIQD

ClinVar aggregate classification (germline): Uncertain significance (1 of 4 stars; one submission).

Submission:

GeneDx
Classification: Uncertain significance. Last evaluated: 2023-03-22. Review status: criteria provided, single submitter. Criteria: GeneDx Variant Classification Process June 2021. Collection method: clinical testing. Allele origin: germline. Affected: yes.
Comment: Not observed at significant frequency in large population cohorts (gnomAD); In silico analysis supports that this missense variant has a deleterious effect on protein structure/function; Has not been previously published as pathogenic or benign to our knowledge